The following is an entry in ClinVar:

NM_032776.3(JMJD1C):c.3983_3984delinsAA (p.Arg1328Gln)

Gene: JMJD1C (jumonji domain containing 1C; minus strand). Cytogenetic location: 10q21.3.
Variant type: Indel.
Coding change: c.3983_3984delinsAA on transcript NM_032776.3 (MANE Select); coding-DNA positions 3983 to 3984, GT replaced by AA.
Protein change: p.Arg1328Gln; replaces arginine 1328 with glutamine.
Molecular consequence: missense variant. On other transcripts: non-coding transcript variant (1).
Genome position (GRCh38, 1-based): chr10:63,207,685-63,207,686, AC replaced by TT on the plus strand (GT replaced by AA on the coding strand, the reverse complement: JMJD1C is on the minus strand). VCF-style: chr10-63207685-AC-TT. GRCh37 (hg19) VCF-style: chr10-64967445-AC-TT.
Other names: c.3437_3438delinsAA, p.Arg1146Gln (NM_001282948.2, NM_001318154.2); c.3119_3120delinsAA, p.Arg1040Gln (NM_001318153.2); c.3869_3870delinsAA, p.Arg1290Gln (NM_001322252.2); c.3326_3327delinsAA, p.Arg1109Gln (NM_001322254.2, NM_001322258.2); short protein forms R1040Q, R1146Q, R1290Q, R1328Q, R1109Q.
Identifiers: ClinVar variation 3681124 (VCV003681124.2).

ClinVar aggregate classification (germline): Uncertain significance (1 of 4 stars; one submission).

Conditions:
Early Myoclonic Encephalopathy. Identifiers: MedGen C0270855.

Submission:

Labcorp Genetics (formerly Invitae), Labcorp
Classification: Uncertain significance for Early Myoclonic Encephalopathy. Last evaluated: 2024-02-26. Review status: criteria provided, single submitter. Criteria: Invitae Variant Classification Sherloc (09022015). Collection method: clinical testing. Allele origin: germline.
Comment: This sequence change replaces arginine, which is basic and polar, with glutamine, which is neutral and polar, at codon 1328 of the JMJD1C protein (p.Arg1328Gln). The frequency data for this variant in the population databases is considered unreliable, as metrics indicate poor data quality at this position in the gnomAD database. This variant has not been reported in the literature in individuals affected with JMJD1C-related conditions. Experimental studies and prediction algorithms are not available or were not evaluated, and the functional significance of this variant is currently unknown. In summary, the available evidence is currently insufficient to determine the role of this variant in disease. Therefore, it has been classified as a Variant of Uncertain Significance.